The following is an entry in ClinVar:

ClinVar aggregate classification (germline): Likely pathogenic (1 of 4 stars; one submission).

Allele frequency attached by ClinVar (database versions not stated): gnomAD exomes below 0.00001.
gnomAD v4.1: 2 of 1,598,472 alleles (0.00013%); highest among the groups gnomAD compares: Non-Finnish European, 0.00017%; no homozygotes.

Submission:

Labcorp Genetics (formerly Invitae), Labcorp
Classification: Likely pathogenic. Last evaluated: 2023-12-02. Review status: criteria provided, single submitter. Criteria: Invitae Variant Classification Sherloc (09022015). Collection method: clinical testing. Allele origin: germline.
Comment: This sequence change affects an acceptor splice site in intron 1 of the AQP2 gene. It is expected to disrupt RNA splicing. Variants that disrupt the donor or acceptor splice site typically lead to a loss of protein function (PMID: 16199547), and loss-of-function variants in AQP2 are known to be pathogenic (PMID: 9024277, 27156763). This variant is not present in population databases (gnomAD no frequency). This variant has not been reported in the literature in individuals affected with AQP2-related conditions. ClinVar contains an entry for this variant (Variation ID: 1974447). Algorithms developed to predict the effect of sequence changes on RNA splicing suggest that this variant may disrupt the consensus splice site. In summary, the currently available evidence indicates that the variant is pathogenic, but additional data are needed to prove that conclusively. Therefore, this variant has been classified as Likely Pathogenic.

Literature cited by the submitters: PubMed 16199547; PubMed 9024277; PubMed 27156763.

NM_000486.6(AQP2):c.361-2A>G

Genes: AQP2 (aquaporin 2; plus strand), AQP5-AS1 (AQP5 and AQP2 antisense RNA 2; minus strand). Cytogenetic location: 12q13.12.
Variant type: single nucleotide variant.
Coding change: c.361-2A>G on transcript NM_000486.6 (MANE Select); the canonical splice acceptor site of the intron before coding-DNA position 361, A replaced by G.
Molecular consequence: splice acceptor variant. On other transcripts: non-coding transcript variant (1).
Genome position (GRCh38, 1-based): chr12:49,954,153, A>G. VCF-style: chr12-49954153-A-G. GRCh37 (hg19) VCF-style: chr12-50347936-A-G.
Identifiers: ClinVar variation 1974447 (VCV001974447.5), dbSNP rs2547998053, ClinGen allele CA384773236.